The following is an entry in ClinVar:

NM_173086.5(KRT6C):c.1045C>T (p.Arg349Trp)

Gene: KRT6C (keratin 6C; minus strand). Cytogenetic location: 12q13.13.
Variant type: single nucleotide variant.
Coding change: c.1045C>T on transcript NM_173086.5 (MANE Select); coding-DNA position 1045, C replaced by T.
Protein change: p.Arg349Trp; replaces arginine 349 with tryptophan.
Molecular consequence: missense variant.
Genome position (GRCh38, 1-based): chr12:52,471,164, G>A on the plus strand (C>T on the coding strand, the complement: KRT6C is on the minus strand). VCF-style: chr12-52471164-G-A. GRCh37 (hg19) VCF-style: chr12-52864948-G-A.
Other names: c.1045C>T (NM_173086.4); short protein forms R349W.
Identifiers: ClinVar variation 1979728 (VCV001979728.6), dbSNP rs151169574, ClinGen allele CA6581292.

ClinVar aggregate classification (germline): Uncertain significance. Review status: criteria provided, multiple submitters, no conflicts (2 of 4 stars). 2 submissions from 2 submitters: Uncertain significance (2). Last evaluated 2024-04-25.

Conditions:
Inborn genetic diseases. Identifiers: MedGen C0950123, MeSH D030342.

Allele frequency attached by ClinVar (database versions not stated): 1000 Genomes Project 30x 0.00016.

Submissions (2):

Labcorp Genetics (formerly Invitae), Labcorp
Classification: Uncertain significance. Last evaluated: 2024-04-25. Review status: criteria provided, single submitter. Criteria: Invitae Variant Classification Sherloc (09022015). Collection method: clinical testing. Allele origin: germline.
Comment: This sequence change replaces arginine, which is basic and polar, with tryptophan, which is neutral and slightly polar, at codon 349 of the KRT6C protein (p.Arg349Trp). This variant is present in population databases (rs151169574, gnomAD 0.02%). This variant has not been reported in the literature in individuals affected with KRT6C-related conditions. ClinVar contains an entry for this variant (Variation ID: 1979728). Advanced modeling of protein sequence and biophysical properties (such as structural, functional, and spatial information, amino acid conservation, physicochemical variation, residue mobility, and thermodynamic stability) performed at Invitae indicates that this missense variant is not expected to disrupt KRT6C protein function with a negative predictive value of 80%. In summary, the available evidence is currently insufficient to determine the role of this variant in disease. Therefore, it has been classified as a Variant of Uncertain Significance.

Ambry Genetics
Classification: Uncertain significance for Inborn genetic diseases. Last evaluated: 2023-01-23. Review status: criteria provided, single submitter. Criteria: Ambry Variant Classification Scheme 2023. Collection method: clinical testing. Allele origin: germline.